The following is an entry in ClinVar:

NM_021625.5(TRPV4):c.1925T>C (p.Met642Thr)

Gene: TRPV4 (transient receptor potential cation channel subfamily V member 4; minus strand). Cytogenetic location: 12q24.11.
Variant type: single nucleotide variant.
Coding change: c.1925T>C on transcript NM_021625.5 (MANE Select); coding-DNA position 1925, T replaced by C.
Protein change: p.Met642Thr; replaces methionine 642 with threonine.
Molecular consequence: missense variant.
Genome position (GRCh38, 1-based): chr12:109,788,683, A>G on the plus strand (T>C on the coding strand, the complement: TRPV4 is on the minus strand). VCF-style: chr12-109788683-A-G. GRCh37 (hg19) VCF-style: chr12-110226488-A-G.
Other names: c.1784T>C, p.Met595Thr (NM_001177428.2); c.1823T>C, p.Met608Thr (NM_001177431.2); c.1604T>C, p.Met535Thr (NM_001177433.2); c.1745T>C, p.Met582Thr (NM_147204.3); short protein forms M535T, M582T, M595T, M608T, M642T.
Identifiers: ClinVar variation 4823158 (VCV004823158.4).

ClinVar aggregate classification (germline): Uncertain significance (1 of 4 stars; one submission).

Submission:

CeGaT Center for Human Genetics Tuebingen
Classification: Uncertain significance. Last evaluated: 2026-01-01. Review status: criteria provided, single submitter. Criteria: CeGaT Center For Human Genetics Tuebingen Variant Classification Criteria Version 2. Collection method: clinical testing. Allele origin: germline. Affected: yes. Observed: 1 variant allele.
Comment: TRPV4: PM2